The following is an entry in ClinVar:

ClinVar aggregate classification (germline): Uncertain significance (1 of 4 stars; one submission).

gnomAD v4.1: 6 of 1,614,026 alleles (0.00037%); highest among the groups gnomAD compares: South Asian, 0.0011%; no homozygotes.

Submission:

Labcorp Genetics (formerly Invitae), Labcorp
Classification: Uncertain significance. Last evaluated: 2024-09-14. Review status: criteria provided, single submitter. Criteria: Invitae Variant Classification Sherloc (09022015). Collection method: clinical testing. Allele origin: germline.
Comment: This sequence change replaces serine, which is neutral and polar, with alanine, which is neutral and non-polar, at codon 657 of the SLC4A1 protein (p.Ser657Ala). This variant is not present in population databases (gnomAD no frequency). This variant has not been reported in the literature in individuals affected with SLC4A1-related conditions. Invitae Evidence Modeling of protein sequence and biophysical properties (such as structural, functional, and spatial information, amino acid conservation, physicochemical variation, residue mobility, and thermodynamic stability) indicates that this missense variant is not expected to disrupt SLC4A1 protein function with a negative predictive value of 95%. In summary, the available evidence is currently insufficient to determine the role of this variant in disease. Therefore, it has been classified as a Variant of Uncertain Significance.

NM_000342.4(SLC4A1):c.1969T>G (p.Ser657Ala)

Gene: SLC4A1 (solute carrier family 4 member 1 (Diego blood group); minus strand). Cytogenetic location: 17q21.31.
Variant type: single nucleotide variant.
Coding change: c.1969T>G on transcript NM_000342.4 (MANE Select); coding-DNA position 1969, T replaced by G.
Protein change: p.Ser657Ala; replaces serine 657 with alanine.
Molecular consequence: missense variant.
Genome position (GRCh38, 1-based): chr17:44,254,584, A>C on the plus strand (T>G on the coding strand, the complement: SLC4A1 is on the minus strand). VCF-style: chr17-44254584-A-C. GRCh37 (hg19) VCF-style: chr17-42331952-A-C.
Other names: short protein forms S657A.
Identifiers: ClinVar variation 3716747 (VCV003716747.1).